The following is an entry in ClinVar:

ClinVar aggregate classification (germline): other (0 of 4 stars; one submission).

Conditions:
Familial colorectal cancer. Identifiers: MedGen CN280943, MONDO:0023113. Disease mechanism: loss of function.

Submission:

Systems Biology Platform Zhejiang California International NanoSystems Institute
Classification: other for Familial colorectal cancer. Review status: no assertion criteria provided. Collection method: not provided. Allele origin: unknown.
ClinVar note: Converted during submission from cancer to other.

NM_000038.6(APC):c.646-3040C>T

Gene: APC (APC regulator of WNT signaling pathway; plus strand). Cytogenetic location: 5q22.2.
Variant type: single nucleotide variant.
Coding change: c.646-3040C>T on transcript NM_000038.6 (MANE Select); 3040 bases into the intron before coding-DNA position 646, C replaced by T.
Molecular consequence: intron variant.
Genome position (GRCh38, 1-based): chr5:112,789,406, C>T. VCF-style: chr5-112789406-C-T. GRCh37 (hg19) VCF-style: chr5-112125103-C-T.
Other names: c.646-3040C>T (NM_001354895.2, NM_001127510.3, NM_001354896.2 and 1 more transcripts); c.676-3040C>T (NM_001354897.2, NM_001354902.2); c.675+8503C>T (NM_001127511.3); c.571-3040C>T (NM_001354898.2, NM_001354904.2); c.-390-3040C>T (NM_001354906.2); c.645+8503C>T (NM_001354899.2); c.469-3040C>T (NM_001354900.2, NM_001354901.2, NM_001354905.2).
Identifiers: ClinVar variation 82982 (VCV000082982.2), dbSNP rs77979361, ClinGen allele CA011816.